The following is an entry in ClinVar:

ClinVar aggregate classification (germline): Benign (1 of 4 stars; one submission).

Conditions:
Familial adenomatous polyposis 1 (FAP1). Also called: FAMILIAL ADENOMATOUS POLYPOSIS 1, ATTENUATED; POLYPOSIS, ADENOMATOUS INTESTINAL. Identifiers: MedGen C2713442, MONDO:0021056, OMIM 175100. Disease mechanism: loss of function.

Submission:

Myriad Genetics, Inc.
Classification: Benign for Familial adenomatous polyposis 1. Last evaluated: 2024-04-05. Review status: criteria provided, single submitter. Criteria: Myriad Autosomal Dominant, Autosomal Recessive and X-Linked Classification Criteria (2023). Collection method: clinical testing. Allele origin: unknown.
Comment: This variant is considered benign. This variant is a silent/synonymous amino acid change and it is not expected to impact splicing.

NM_000038.6(APC):c.6822C>G (p.Ala2274=)

Gene: APC (APC regulator of Wnt signaling pathway; plus strand). Cytogenetic location: 5q22.2.
Variant type: single nucleotide variant.
Coding change: c.6822C>G on transcript NM_000038.6 (MANE Select); coding-DNA position 6822, C replaced by G.
Protein change: p.Ala2274=; no amino-acid change (alanine 2274 retained).
Molecular consequence: synonymous variant. On other transcripts: non-coding transcript variant (2).
Genome position (GRCh38, 1-based): chr5:112,842,416, C>G. VCF-style: chr5-112842416-C-G. GRCh37 (hg19) VCF-style: chr5-112178113-C-G.
Other names: c.6519C>G, p.Ala2173= (NM_001354903.2, NM_001407458.1, NM_001407459.1 and 1 more transcripts); c.6444C>G, p.Ala2148= (NM_001354904.2); c.6342C>G, p.Ala2114= (NM_001354905.2); c.5973C>G, p.Ala1991= (NM_001354906.2, NM_001407470.1); c.6876C>G, p.Ala2292= (NM_001407449.1, NM_001407448.1, NM_001407447.1 and 1 more transcripts); c.6906C>G, p.Ala2302= (NM_001407446.1); c.6801C>G, p.Ala2267= (NM_001407451.1); c.6822C>G, p.Ala2274= (NM_001407450.1, NM_001127510.3, NM_001354895.2); and 11 more.
Identifiers: ClinVar variation 3254346 (VCV003254346.1), dbSNP rs2149974045.